The following is an entry in ClinVar:

ClinVar aggregate classification (germline): Uncertain significance (1 of 4 stars; one submission).

Submission:

GeneDx
Classification: Uncertain significance. Last evaluated: 2022-03-04. Review status: criteria provided, single submitter. Criteria: GeneDx Variant Classification Process June 2021. Collection method: clinical testing. Allele origin: germline. Affected: yes.
Comment: Not observed at significant frequency in large population cohorts (gnomAD); In silico analysis supports that this missense variant has a deleterious effect on protein structure/function; Has not been previously published as pathogenic or benign to our knowledge

NM_000137.4(FAH):c.856T>A (p.Tyr286Asn)

Gene: FAH (fumarylacetoacetate hydrolase; plus strand). Cytogenetic location: 15q25.1.
Variant type: single nucleotide variant.
Coding change: c.856T>A on transcript NM_000137.4 (MANE Select); coding-DNA position 856, T replaced by A.
Protein change: p.Tyr286Asn; replaces tyrosine 286 with asparagine.
Molecular consequence: missense variant.
Genome position (GRCh38, 1-based): chr15:80,175,034, T>A. VCF-style: chr15-80175034-T-A. GRCh37 (hg19) VCF-style: chr15-80467376-T-A.
Other names: c.856T>A, p.Tyr286Asn (NM_001374377.1, NM_001374380.1); short protein forms Y286N.
Identifiers: ClinVar variation 1704059 (VCV001704059.2), dbSNP rs2041270923, ClinGen allele CA393621151.